The following is an entry in ClinVar:

NM_000215.4(JAK3):c.252G>A (p.Pro84=)

Gene: JAK3 (Janus kinase 3; minus strand). Cytogenetic location: 19p13.11.
Variant type: single nucleotide variant.
Coding change: c.252G>A on transcript NM_000215.4 (MANE Select); coding-DNA position 252, G replaced by A.
Protein change: p.Pro84=; no amino-acid change (proline 84 retained).
Molecular consequence: synonymous variant.
Genome position (GRCh38, 1-based): chr19:17,843,833, C>T on the plus strand (G>A on the coding strand, the complement: JAK3 is on the minus strand). VCF-style: chr19-17843833-C-T. GRCh37 (hg19) VCF-style: chr19-17954642-C-T.
Identifiers: ClinVar variation 328520 (VCV000328520.22), dbSNP rs139738701, ClinGen allele CA9302213.

ClinVar aggregate classification (germline): Conflicting classifications of pathogenicity. Review status: criteria provided, conflicting classifications (1 of 4 stars). 6 submissions from 6 submitters: Uncertain significance (1); Likely benign (3). 2 of the submissions do not count toward it. Last evaluated 2026-02-01.

Conditions:
T-B+ severe combined immunodeficiency due to JAK3 deficiency. Also called: SCID, T CELL-NEGATIVE, B CELL-POSITIVE, NK CELL-NEGATIVE; SCID, autosomal recessive, T-negative/B-positive type. Identifiers: Orphanet 35078, MedGen C1833275, MONDO:0010938, OMIM 600802.

Allele frequency attached by ClinVar (database versions not stated): gnomAD exomes 0.00080 and 0.00110; ExAC 0.00083; gnomAD 0.00102 and 0.00103; ESP Exome Variant Server 0.00115; 1000 Genomes Project 0.00120; 1000 Genomes Project 30x 0.00125; TOPMed 0.00157.

Submissions (6):

CeGaT Center for Human Genetics Tuebingen
Classification: Likely benign. Last evaluated: 2026-02-01. Review status: criteria provided, single submitter. Criteria: CeGaT Center For Human Genetics Tuebingen Variant Classification Criteria Version 2. Collection method: clinical testing. Allele origin: germline. Affected: yes. Observed: 1 variant allele.
Comment: JAK3: BP4, BP7

Labcorp Genetics (formerly Invitae), Labcorp
Classification: Likely benign for T-B+ severe combined immunodeficiency due to JAK3 deficiency. Last evaluated: 2026-02-01. Review status: criteria provided, single submitter. Criteria: Invitae Variant Classification Sherloc (09022015). Collection method: clinical testing. Allele origin: germline.

Blueprint Genetics
Classification: Likely benign. Last evaluated: 2024-09-12. Review status: criteria provided, single submitter. Criteria: ACMG Guidelines, 2015. Collection method: clinical testing. Allele origin: germline.

Illumina Laboratory Services, Illumina
Classification: Uncertain significance for T-B+ severe combined immunodeficiency due to JAK3 deficiency. Last evaluated: 2018-01-12. Review status: criteria provided, single submitter. Criteria: ICSL Variant Classification Criteria 13 December 2019. Collection method: clinical testing. Allele origin: germline.

Clinical Genetics DNA and cytogenetics Diagnostics Lab, Erasmus MC, Erasmus Medical Center
Classification: Likely benign. Review status: no assertion criteria provided. Collection method: clinical testing. Allele origin: germline. Affected: yes. Study: VKGL Data-share Consensus. Not counted in ClinVar's aggregate classification.

Genome Diagnostics Laboratory, University Medical Center Utrecht
Classification: Likely benign. Review status: no assertion criteria provided. Collection method: clinical testing. Allele origin: germline. Affected: yes. Study: VKGL Data-share Consensus. Not counted in ClinVar's aggregate classification.